The following is an entry in ClinVar:

NM_005159.5(ACTC1):c.808+3G>A

Genes: ACTC1 (actin alpha cardiac muscle 1; minus strand), GJD2-DT (GJD2 divergent transcript; plus strand). Cytogenetic location: 15q14.
Variant type: single nucleotide variant.
Coding change: c.808+3G>A on transcript NM_005159.5 (MANE Select); 3 bases into the intron after coding-DNA position 808, G replaced by A.
Molecular consequence: intron variant.
Genome position (GRCh38, 1-based): chr15:34,792,087, C>T on the plus strand (G>A on the coding strand, the complement: ACTC1 is on the minus strand). VCF-style: chr15-34792087-C-T. GRCh37 (hg19) VCF-style: chr15-35084288-C-T.
Identifiers: ClinVar variation 45189 (VCV000045189.19), dbSNP rs397517070, ClinGen allele CA019943.

ClinVar aggregate classification (germline): Uncertain significance. Review status: criteria provided, multiple submitters, no conflicts (2 of 4 stars). 5 submissions from 5 submitters: Uncertain significance (5). Last evaluated 2026-01-01.

Conditions:
Cardiovascular phenotype. Identifiers: MedGen CN230736.
Hypertrophic cardiomyopathy 11. Also called: ACTC1-Related Familial Hypertrophic Cardiomyopathy. Identifiers: MedGen C2677506, MONDO:0012799, OMIM 612098.
Dilated cardiomyopathy 1R (CMD1R). Identifiers: Orphanet 154, Orphanet 54260, MedGen C3150681, MONDO:0013261, OMIM 613424.
Atrial septal defect 5 (ASD5). Identifiers: Orphanet 1478, MedGen C2748552, MONDO:0013011, OMIM 612794.

gnomAD v4.1: 1 of 1,614,148 alleles (0.000062%); no homozygotes.

Submissions (5):

CeGaT Center for Human Genetics Tuebingen
Classification: Uncertain significance. Last evaluated: 2026-01-01. Review status: criteria provided, single submitter. Criteria: CeGaT Center For Human Genetics Tuebingen Variant Classification Criteria Version 2. Collection method: clinical testing. Allele origin: germline. Affected: yes. Observed: 1 variant allele.
Comment: ACTC1: PM2, BP4

Labcorp Genetics (formerly Invitae), Labcorp
Classification: Uncertain significance for Dilated cardiomyopathy 1R; Hypertrophic cardiomyopathy 11; Atrial septal defect 5. Last evaluated: 2024-12-05. Review status: criteria provided, single submitter. Criteria: Invitae Variant Classification Sherloc (09022015). Collection method: clinical testing. Allele origin: germline.
Comment: This sequence change falls in intron 5 of the ACTC1 gene. It does not directly change the encoded amino acid sequence of the ACTC1 protein. It affects a nucleotide within the consensus splice site. This variant is not present in population databases (gnomAD no frequency). This variant has not been reported in the literature in individuals affected with ACTC1-related conditions. ClinVar contains an entry for this variant (Variation ID: 45189). Variants that disrupt the consensus splice site are a relatively common cause of aberrant splicing (PMID: 17576681, 9536098). Algorithms developed to predict the effect of sequence changes on RNA splicing suggest that this variant is not likely to affect RNA splicing. In summary, the available evidence is currently insufficient to determine the role of this variant in disease. Therefore, it has been classified as a Variant of Uncertain Significance.

Ambry Genetics
Classification: Uncertain significance for Cardiovascular phenotype. Last evaluated: 2022-03-15. Review status: criteria provided, single submitter. Criteria: Ambry Variant Classification Scheme 2023. Collection method: clinical testing. Allele origin: germline.
Comment: The c.808+3G>A intronic alteration consists of a G to A substitution nucleotides after coding exon 4 in the ACTC1 gene. Based on insufficient or conflicting evidence, the clinical significance of this alteration remains unclear.

Laboratory for Molecular Medicine, Mass General Brigham Personalized Medicine
Classification: Uncertain significance. Last evaluated: 2018-03-09. Review status: criteria provided, single submitter. Criteria: LMM Criteria. Collection method: clinical testing. Allele origin: germline. Observed: 2 variant alleles.
Comment: proposed classification - variant undergoing re-assessment, contact laboratory

Agnes Ginges Centre for Molecular Cardiology, Centenary Institute
Classification: Uncertain significance for Hypertrophic cardiomyopathy 11. Last evaluated: 2017-10-31. Review status: criteria provided, single submitter. Criteria: ACMG Guidelines, 2015. Collection method: research. Allele origin: germline. Affected: yes.
Comment: The ACTC1 c.803+3G>A has been previously identified by one laboratory in a HCM proband and one other affected family member (LMM, Pers. Comm.). The variant is absent in the Exome Aggregation Consortium dataset, as well as the Genome Aggregation Database. In silico tool MaxEntScan predicts that this variant will not affect splicing. In summary, although the variant is rare in the general population, the splicing prediction tool predicts that the variant will not affect splicing and there is no other informative evidence to confirm the pathogenicity of the variant, therefore we classify ACTC1 c.803+3G>A as a variant of 'uncertain significance'.

Literature cited by the submitters: PubMed 17576681 (cited by Labcorp Genetics (formerly Invitae), Labcorp); PubMed 9536098 (cited by Labcorp Genetics (formerly Invitae), Labcorp).